The following is an entry in ClinVar:

ClinVar aggregate classification (germline): Uncertain significance (1 of 4 stars; one submission).

Allele frequency attached by ClinVar (database versions not stated): gnomAD exomes 0.00007; TOPMed 0.00008; gnomAD 0.00009; ExAC 0.00010; 1000 Genomes Project 30x 0.00016; 1000 Genomes Project 0.00020.

Submission:

Greenwood Genetic Center Diagnostic Laboratories, Greenwood Genetic Center
Classification: Uncertain significance. Last evaluated: 2023-12-12. Review status: criteria provided, single submitter. Criteria: ACMG Guidelines, 2015. Collection method: clinical testing. Allele origin: germline. Affected: yes.
Comment: PM2

NM_015311.3(OBSL1):c.1738G>A (p.Asp580Asn)

Gene: OBSL1 (obscurin like cytoskeletal adaptor 1; minus strand). Cytogenetic location: 2q35.
Variant type: single nucleotide variant.
Coding change: c.1738G>A on transcript NM_015311.3 (MANE Select); coding-DNA position 1738, G replaced by A.
Protein change: p.Asp580Asn; replaces aspartic acid 580 with asparagine.
Molecular consequence: missense variant.
Genome position (GRCh38, 1-based): chr2:219,567,372, C>T on the plus strand (G>A on the coding strand, the complement: OBSL1 is on the minus strand). VCF-style: chr2-219567372-C-T. GRCh37 (hg19) VCF-style: chr2-220432094-C-T.
Other names: c.1738G>A, p.Asp580Asn (NM_001173408.2, NM_001173431.2); short protein forms D580N.
Identifiers: ClinVar variation 2692497 (VCV002692497.1), dbSNP rs189087435, ClinGen allele CA2131443.